The following is an entry in ClinVar:

NM_012062.5(DNM1L):c.275A>C (p.Lys92Thr)

Gene: DNM1L (dynamin 1 like; plus strand). Cytogenetic location: 12p11.21.
Variant type: single nucleotide variant.
Coding change: c.275A>C on transcript NM_012062.5 (MANE Select); coding-DNA position 275, A replaced by C.
Protein change: p.Lys92Thr; replaces lysine 92 with threonine.
Molecular consequence: missense variant.
Genome position (GRCh38, 1-based): chr12:32,707,391, A>C. VCF-style: chr12-32707391-A-C. GRCh37 (hg19) VCF-style: chr12-32860325-A-C.
Other names: c.275A>C, p.Lys92Thr (NM_001278463.2, NM_005690.5, NM_012063.4); c.314A>C, p.Lys105Thr (NM_001278464.2, NM_001278465.2, NM_001330380.2); c.109A>C, p.Asn37His (NM_001278466.2); short protein forms K105T, K92T, N37H.
Identifiers: ClinVar variation 3672244 (VCV003672244.2).

ClinVar aggregate classification (germline): Uncertain significance (1 of 4 stars; one submission).

Submission:

Labcorp Genetics (formerly Invitae), Labcorp
Classification: Uncertain significance. Last evaluated: 2024-07-30. Review status: criteria provided, single submitter. Criteria: Invitae Variant Classification Sherloc (09022015). Collection method: clinical testing. Allele origin: germline.
Comment: This sequence change replaces lysine, which is basic and polar, with threonine, which is neutral and polar, at codon 92 of the DNM1L protein (p.Lys92Thr). This variant is not present in population databases (gnomAD no frequency). This variant has not been reported in the literature in individuals affected with DNM1L-related conditions. An algorithm developed to predict the effect of missense changes on protein structure and function (PolyPhen-2) suggests that this variant is likely to be tolerated. In summary, the available evidence is currently insufficient to determine the role of this variant in disease. Therefore, it has been classified as a Variant of Uncertain Significance.